The following is an entry in ClinVar:

ClinVar aggregate classification (germline): Pathogenic (3 of 4 stars; one submission).

Conditions:
Breast-ovarian cancer, familial, susceptibility to, 2 (BROVCA2). Also called: BRCA2 Hereditary Breast and Ovarian Cancer. Identifiers: Orphanet 145, MedGen C2675520, MONDO:0012933, OMIM 612555. Disease mechanism: loss of function.

Submission:

Evidence-based Network for the Interpretation of Germline Mutant Alleles (ENIGMA)
Classification: Pathogenic for Breast-ovarian cancer, familial, susceptibility to, 2. Last evaluated: 2016-09-08. Review status: reviewed by expert panel. Criteria: ENIGMA BRCA1/2 Classification Criteria (2015). Collection method: curation. Allele origin: germline.
Comment: Variant allele predicted to encode a truncated non-functional protein.

NM_000059.4(BRCA2):c.7951del (p.Arg2651fs)

Gene: BRCA2 (BRCA2 DNA repair associated; plus strand). Cytogenetic location: 13q13.1.
Variant type: Deletion.
Coding change: c.7951del on transcript NM_000059.4 (MANE Select); coding-DNA position 7951, one base deleted (A; older notation c.7951delA).
Protein change: p.Arg2651fs; shifts the reading frame from arginine 2651.
Molecular consequence: frameshift variant.
Genome position (GRCh38, 1-based): chr13:32,362,668, A deleted; the last of 3 consecutive A bases (chr13:32,362,666-32,362,668); deleting any one gives the same sequence. VCF-style (leftmost placement, unchanged base first): chr13-32362665-GA-G. GRCh37 (hg19) VCF-style: chr13-32936802-GA-G.
Other names: c.7951delA (NM_000059.3); short protein forms R2651fs.
Identifiers: ClinVar variation 254615 (VCV000254615.2), dbSNP rs886038178, ClinGen allele CA10586583.